The following is an entry in ClinVar:

ClinVar aggregate classification (germline): Uncertain significance (1 of 4 stars; one submission).

gnomAD v4.1: 15 of 1,207,122 alleles (0.0012%); highest among the groups gnomAD compares: African/African-American, 0.0017%; no homozygotes.

Submission:

CeGaT Center for Human Genetics Tuebingen
Classification: Uncertain significance. Last evaluated: 2026-01-01. Review status: criteria provided, single submitter. Criteria: CeGaT Center For Human Genetics Tuebingen Variant Classification Criteria Version 2. Collection method: clinical testing. Allele origin: germline. Affected: yes. Observed: 1 variant allele.
Comment: RPGR: PP3

NM_001034853.2(RPGR):c.471G>A (p.Glu157=)

Gene: RPGR (retinitis pigmentosa GTPase regulator; minus strand). Cytogenetic location: Xp11.4.
Variant type: single nucleotide variant.
Coding change: c.471G>A on transcript NM_001034853.2 (MANE Select); coding-DNA position 471, G replaced by A.
Protein change: p.Glu157=; no amino-acid change (glutamic acid 157 retained).
Molecular consequence: synonymous variant. On other transcripts: non-coding transcript variant (6).
Genome position (GRCh38, 1-based): chrX:38,317,464, C>T on the plus strand (G>A on the coding strand, the complement: RPGR is on the minus strand). VCF-style: chrX-38317464-C-T. GRCh37 (hg19) VCF-style: chrX-38176717-C-T.
Other names: c.471G>A, p.Glu157= (NM_000328.3, NM_001367245.1, NM_001367246.1 and 3 more transcripts); c.501G>A, p.Glu167= (NM_001367248.1); c.468G>A, p.Glu156= (NM_001367249.1).
Identifiers: ClinVar variation 4821846 (VCV004821846.4).